The following is an entry in ClinVar:

NM_001276345.2(TNNT2):c.347_348delinsCT (p.Ile116Thr)

Gene: TNNT2 (troponin T2, cardiac type; minus strand). Cytogenetic location: 1q32.1.
Variant type: Indel.
Coding change: c.347_348delinsCT on transcript NM_001276345.2 (MANE Select); coding-DNA positions 347 to 348, TC replaced by CT.
Protein change: p.Ile116Thr; replaces isoleucine 116 with threonine.
Molecular consequence: missense variant. On other transcripts: intron variant (1).
Genome position (GRCh38, 1-based): chr1:201,365,254-201,365,255, GA replaced by AG on the plus strand (TC replaced by CT on the coding strand, the reverse complement: TNNT2 is on the minus strand). VCF-style: chr1-201365254-GA-AG. GRCh37 (hg19) VCF-style: chr1-201334382-GA-AG.
Other names: c.317_318delinsCT (NM_001001430.1); c.347_348delinsCT, p.Ile116Thr (NM_000364.4); c.317_318delinsCT, p.Ile106Thr (NM_001001430.3, NM_001001431.3, NM_001276347.2); c.302_303delinsCT, p.Ile101Thr (NM_001001432.3); c.291+355_291+356delinsCT (NM_001276346.2); short protein forms I106T, I101T, I116T.
Identifiers: ClinVar variation 452747 (VCV000452747.18), dbSNP rs1553282523, ClinGen allele CA658656984.

ClinVar aggregate classification (germline): Uncertain significance. Review status: criteria provided, multiple submitters, no conflicts (2 of 4 stars). 7 submissions from 5 submitters: Uncertain significance (7). Last evaluated 2025-09-04.

Conditions:
Cardiovascular phenotype. Identifiers: MedGen CN230736.
Dilated cardiomyopathy 1D. Identifiers: Orphanet 154, Orphanet 54260, MedGen C1832243, MONDO:0011095, OMIM 601494.
Cardiomyopathy, familial restrictive, 3. Identifiers: Orphanet 75249, MedGen C2676271, MONDO:0012900, OMIM 612422.
Hypertrophic cardiomyopathy 2. Also called: TNNT2-Related Familial Hypertrophic Cardiomyopathy. Identifiers: MedGen C1861864, MONDO:0007266, OMIM 115195.
Cardiomyopathy (CMYO). Also called: Cardiomyopathies. Identifiers: Orphanet 167848, MedGen C0878544, MONDO:0004994, HP:0001638. Inheritance: Various modes of inheritance.

Submissions (7):

Color Diagnostics, LLC DBA Color Health
Classification: Uncertain significance for Cardiomyopathy. Last evaluated: 2025-09-04. Review status: criteria provided, single submitter. Criteria: ACMG Guidelines, 2015. Collection method: clinical testing. Allele origin: germline.
Comment: This missense variant replaces isoleucine with threonine at codon 106 of the TNNT2 protein. To our knowledge, functional studies have not been reported for this variant. This variant has not been reported in individuals affected with TNNT2-related disorders in the literature. This variant has not been identified in the general population by the Genome Aggregation Database (gnomAD). The available evidence is insufficient to determine the role of this variant in disease conclusively. Therefore, this variant is classified as a Variant of Uncertain Significance.

Labcorp Genetics (formerly Invitae), Labcorp
Classification: Uncertain significance for Cardiomyopathy, familial restrictive, 3; Hypertrophic cardiomyopathy 2; Dilated cardiomyopathy 1D. Last evaluated: 2023-10-28. Review status: criteria provided, single submitter. Criteria: Invitae Variant Classification Sherloc (09022015). Collection method: clinical testing. Allele origin: germline.
Comment: This sequence change replaces isoleucine, which is neutral and non-polar, with threonine, which is neutral and polar, at codon 106 of the TNNT2 protein (p.Ile106Thr). The frequency data for this variant in the population databases is considered unreliable, as metrics indicate poor data quality at this position in the gnomAD database. This variant has not been reported in the literature in individuals affected with TNNT2-related conditions. ClinVar contains an entry for this variant (Variation ID: 452747). An algorithm developed specifically for the TNNT2 gene suggests that this missense change is likely to be deleterious (PMID: 21310275). In summary, the available evidence is currently insufficient to determine the role of this variant in disease. Therefore, it has been classified as a Variant of Uncertain Significance.

GeneDx
Classification: Uncertain significance. Last evaluated: 2023-04-19. Review status: criteria provided, single submitter. Criteria: GeneDx Variant Classification Process June 2021. Collection method: clinical testing. Allele origin: germline. Affected: yes.
Comment: Has not been previously published as pathogenic or benign to our knowledge; In silico analysis supports a deleterious effect on protein structure/function; Not observed at significant frequency in large population cohorts (gnomAD)

Genome-Nilou Lab
Classification: Uncertain significance for Dilated cardiomyopathy 1D. Last evaluated: 2023-04-11. Review status: criteria provided, single submitter. Criteria: ACMG Guidelines, 2015. Collection method: clinical testing. Allele origin: germline. Affected: no.

Genome-Nilou Lab
Classification: Uncertain significance for Cardiomyopathy, familial restrictive, 3. Last evaluated: 2023-04-11. Review status: criteria provided, single submitter. Criteria: ACMG Guidelines, 2015. Collection method: clinical testing. Allele origin: germline. Affected: no.

Genome-Nilou Lab
Classification: Uncertain significance for Hypertrophic cardiomyopathy 2. Last evaluated: 2023-04-11. Review status: criteria provided, single submitter. Criteria: ACMG Guidelines, 2015. Collection method: clinical testing. Allele origin: germline. Affected: no.

Ambry Genetics
Classification: Uncertain significance for Cardiovascular phenotype. Last evaluated: 2019-05-08. Review status: criteria provided, single submitter. Criteria: Ambry Variant Classification Scheme 2023. Collection method: clinical testing. Allele origin: germline.
Comment: The c.317_318delTCinsCT variant (also known as p.I106T), located in coding exon 8 of the TNNT2 gene, results from an in-frame deletion of TC and insertion of CT at nucleotide positions 317 to 318. This results in the substitution of the isoleucine residue for a threonine residue at codon 106, an amino acid with similar properties. This amino acid position is highly conserved in available vertebrate species. Since supporting evidence is limited at this time, the clinical significance of this alteration remains unclear.

Literature cited by the submitters: PubMed 21310275 (cited by Labcorp Genetics (formerly Invitae), Labcorp).